The following is an entry in ClinVar:

NM_001164665.2(KIAA1549):c.-12_9del (p.Met1_Gly3del)

Gene: KIAA1549 (KIAA1549; minus strand). Cytogenetic location: 7q34.
Variant type: Deletion.
Coding change: c.-12_9del on transcript NM_001164665.2 (MANE Select); 12 bases upstream of the start codon through coding-DNA position 9, 21 bases deleted (CGCCGGCCGGGAATGCCGGGG).
Protein change: p.Met1_Gly3del.
Molecular consequence: inframe deletion, initiator codon variant.
Genome position (GRCh38, 1-based): chr7:138,981,261-138,981,281, CCCCGGCATTCCCGGCCGGCG deleted on the plus strand (CGCCGGCCGGGAATGCCGGGG on the coding strand, the reverse complement: KIAA1549 is on the minus strand); deleting any 21 consecutive bases within chr7:138,981,261-138,981,288 gives the same sequence; the c. name uses the placement nearest the transcript's 3' end. VCF-style (leftmost placement, unchanged base first): chr7-138981260-CCCCCGGCATTCCCGGCCGGCG-C. GRCh37 (hg19) VCF-style: chr7-138666006-CCCCCGGCATTCCCGGCCGGCG-C.
Other names: c.-12_9del, p.Met1_Gly3del (NM_020910.3).
Identifiers: ClinVar variation 1940440 (VCV001940440.6), dbSNP rs1814544479, ClinGen allele CA1746890322.

ClinVar aggregate classification (germline): Uncertain significance (1 of 4 stars; one submission).

Submission:

Labcorp Genetics (formerly Invitae), Labcorp
Classification: Uncertain significance. Last evaluated: 2022-05-03. Review status: criteria provided, single submitter. Criteria: Invitae Variant Classification Sherloc (09022015). Collection method: clinical testing. Allele origin: germline.
Comment: This sequence change affects the initiator methionine of the KIAA1549 mRNA. The next in-frame methionine is located at codon 13. The frequency data for this variant in the population databases is considered unreliable, as metrics indicate insufficient coverage at this position in the gnomAD database. This variant has not been reported in the literature in individuals affected with KIAA1549-related conditions. Experimental studies and prediction algorithms are not available or were not evaluated, and the functional significance of this variant is currently unknown. In summary, the available evidence is currently insufficient to determine the role of this variant in disease. Therefore, it has been classified as a Variant of Uncertain Significance.